The following is an entry in ClinVar:

NM_032237.5(POMK):c.726G>A (p.Val242=)

Gene: POMK (protein O-mannose kinase; plus strand). Cytogenetic location: 8p11.21.
Variant type: single nucleotide variant.
Coding change: c.726G>A on transcript NM_032237.5 (MANE Select); coding-DNA position 726, G replaced by A.
Protein change: p.Val242=; no amino-acid change (valine 242 retained).
Molecular consequence: synonymous variant.
Genome position (GRCh38, 1-based): chr8:43,122,550, G>A. VCF-style: chr8-43122550-G-A. GRCh37 (hg19) VCF-style: chr8-42977693-G-A.
Other names: c.726G>A, p.Val242= (NM_001277971.2).
Identifiers: ClinVar variation 1084433 (VCV001084433.15), dbSNP rs779226611, ClinGen allele CA4736345.
Genomic context (GRCh38, chr8:43,122,550, plus strand): 5'-CATTTTGGCAAATGACTTGGACGCCTTACCCCTGGTGAACCACAGCTCCGGGATGCTGGT[G>A]AAGTGCGGCCACAGGGAGCTGCATGGGGATTTCGTGGCTCCAGAGCAACTGTGGCCCTAT-3'
Protein context (NP_115613.1, residues 232-252): PLVNHSSGML[Val242=]KCGHRELHGD

ClinVar aggregate classification (germline): Likely benign. Review status: criteria provided, multiple submitters, no conflicts (2 of 4 stars). 2 submissions from 2 submitters: Likely benign (2). Last evaluated 2025-08-01.

Conditions:
Muscular dystrophy-dystroglycanopathy (congenital with brain and eye anomalies), type a, 12 (MDDGA12). Also called: WALKER-WARBURG SYNDROME OR MUSCLE-EYE-BRAIN DISEASE, POMK-RELATED. Identifiers: Orphanet 899, MedGen C3808964, MONDO:0014101, OMIM 615249.
Limb-girdle muscular dystrophy due to POMK deficiency. Also called: Muscular dystrophy-dystroglycanopathy (limb-girdle), type c, 12; MUSCULAR DYSTROPHY-DYSTROGLYCANOPATHY, LIMB-GIRDLE, POMK-RELATED. Identifiers: Orphanet 445110, MedGen C4015184, MONDO:0014489, OMIM 616094.

Allele frequency attached by ClinVar (database versions not stated): ExAC 0.00002; gnomAD exomes 0.00003 and 0.00008; gnomAD 0.00006 and 0.00007; TOPMed 0.00006.
gnomAD v4.1: 124 of 1,614,098 alleles (0.0077%); highest among the groups gnomAD compares: Non-Finnish European, 0.0098%; no homozygotes.

Submissions (2):

CeGaT Center for Human Genetics Tuebingen
Classification: Likely benign. Last evaluated: 2025-08-01. Review status: criteria provided, single submitter. Criteria: CeGaT Center For Human Genetics Tuebingen Variant Classification Criteria Version 2. Collection method: clinical testing. Allele origin: germline. Affected: yes. Observed: 1 variant allele.
Comment: POMK: BP4, BP7

Labcorp Genetics (formerly Invitae), Labcorp
Classification: Likely benign for Muscular dystrophy-dystroglycanopathy (congenital with brain and eye anomalies), type a, 12; Limb-girdle muscular dystrophy due to POMK deficiency. Last evaluated: 2025-04-22. Review status: criteria provided, single submitter. Criteria: Invitae Variant Classification Sherloc (09022015). Collection method: clinical testing. Allele origin: germline.